The following is an entry in ClinVar:

NM_176787.5(PIGN):c.1331G>A (p.Gly444Asp)

Gene: PIGN (phosphatidylinositol glycan anchor biosynthesis class N; minus strand). Cytogenetic location: 18q21.33.
Variant type: single nucleotide variant.
Coding change: c.1331G>A on transcript NM_176787.5 (MANE Select); coding-DNA position 1331, G replaced by A.
Protein change: p.Gly444Asp; replaces glycine 444 with aspartic acid.
Molecular consequence: missense variant.
Genome position (GRCh38, 1-based): chr18:62,113,237, C>T on the plus strand (G>A on the coding strand, the complement: PIGN is on the minus strand). VCF-style: chr18-62113237-C-T. GRCh37 (hg19) VCF-style: chr18-59780470-C-T.
Other names: c.1331G>A (NM_176787.4); c.1331G>A, p.Gly444Asp (NM_012327.6); short protein forms G444D.
Identifiers: ClinVar variation 2163033 (VCV002163033.4), dbSNP rs963330253, ClinGen allele CA301711466.

ClinVar aggregate classification (germline): Uncertain significance. Review status: criteria provided, multiple submitters, no conflicts (2 of 4 stars). 3 submissions from 3 submitters: Uncertain significance (3). Last evaluated 2025-08-26.

Conditions:
Inborn genetic diseases. Identifiers: MedGen C0950123, MeSH D030342.
Multiple congenital anomalies-hypotonia-seizures syndrome 1 (MCAHS1). Also called: GLYCOSYLPHOSPHATIDYLINOSITOL BIOSYNTHESIS DEFECT 3; PIGN-CDG; Congenital disorder of glycosylation due to PIGN deficiency. Identifiers: Orphanet 280633, MedGen C3279775, MONDO:0013563, OMIM 614080.

Allele frequency attached by ClinVar (database versions not stated): gnomAD exomes below 0.00001; TOPMed 0.00001.
gnomAD v4.1: 2 of 1,612,864 alleles (0.00012%); highest among the groups gnomAD compares: Admixed American, 0.0033%; no homozygotes.

Submissions (3):

Ambry Genetics
Classification: Uncertain significance for Inborn genetic diseases. Last evaluated: 2025-08-26. Review status: criteria provided, single submitter. Criteria: Ambry Variant Classification Scheme 2023. Collection method: clinical testing. Allele origin: germline.

GeneDx
Classification: Uncertain significance. Last evaluated: 2025-07-15. Review status: criteria provided, single submitter. Criteria: GeneDx Variant Classification Process June 2021. Collection method: clinical testing. Allele origin: germline.
Comment: Not observed at significant frequency in large population cohorts (gnomAD); In silico analysis suggests that this missense variant does not alter protein structure/function; Has not been previously published as pathogenic or benign to our knowledge

Labcorp Genetics (formerly Invitae), Labcorp
Classification: Uncertain significance for Multiple congenital anomalies-hypotonia-seizures syndrome 1. Last evaluated: 2022-08-08. Review status: criteria provided, single submitter. Criteria: Invitae Variant Classification Sherloc (09022015). Collection method: clinical testing. Allele origin: germline.
Comment: This sequence change replaces glycine, which is neutral and non-polar, with aspartic acid, which is acidic and polar, at codon 444 of the PIGN protein (p.Gly444Asp). This variant is not present in population databases (gnomAD no frequency). This variant has not been reported in the literature in individuals affected with PIGN-related conditions. Algorithms developed to predict the effect of missense changes on protein structure and function are either unavailable or do not agree on the potential impact of this missense change (SIFT: "Tolerated"; PolyPhen-2: "Possibly Damaging"; Align-GVGD: "Class C0"). In summary, the available evidence is currently insufficient to determine the role of this variant in disease. Therefore, it has been classified as a Variant of Uncertain Significance.